The following is an entry in ClinVar:

ClinVar aggregate classification (germline): Conflicting classifications of pathogenicity. Review status: criteria provided, conflicting classifications (1 of 4 stars). 4 submissions from 4 submitters: Uncertain significance (1); Likely benign (2). 1 of the submissions does not count toward it. Last evaluated 2026-01-25.

Conditions:
PEX14-related disorder. Also called: PEX14-related condition.
Peroxisome biogenesis disorder, complementation group K (CGK). Identifiers: MedGen C1866257, MONDO:0800365.

Allele frequency attached by ClinVar (database versions not stated): gnomAD exomes 0.00008; ExAC 0.00011; gnomAD 0.00011 and 0.00013; TOPMed 0.00023; ESP Exome Variant Server 0.00031.

Submissions (4):

Labcorp Genetics (formerly Invitae), Labcorp
Classification: Likely benign for Peroxisome biogenesis disorder, complementation group K. Last evaluated: 2026-01-25. Review status: criteria provided, single submitter. Criteria: Invitae Variant Classification Sherloc (09022015). Collection method: clinical testing. Allele origin: germline.

Blueprint Genetics
Classification: Likely benign. Last evaluated: 2022-10-14. Review status: criteria provided, single submitter. Criteria: ACMG Guidelines, 2015. Collection method: clinical testing. Allele origin: germline.

Eurofins Ntd Llc (ga)
Classification: Uncertain significance. Last evaluated: 2017-10-02. Review status: criteria provided, single submitter. Criteria: EGL Classification Definitions 2015. Collection method: clinical testing. Allele origin: germline. Observed: 1 variant allele, 1 heterozygote.

PreventionGenetics, part of Exact Sciences
Classification: Likely benign for PEX14-related condition. Last evaluated: 2022-06-01. Review status: no assertion criteria provided. Collection method: clinical testing. Allele origin: germline. Not counted in ClinVar's aggregate classification.
Comment: This variant is classified as likely benign based on ACMG/AMP sequence variant interpretation guidelines (Richards et al. 2015 PMID: 25741868, with internal and published modifications).

NM_004565.3(PEX14):c.1101C>T (p.Pro367=)

Gene: PEX14 (peroxisomal biogenesis factor 14; plus strand). Cytogenetic location: 1p36.22.
Variant type: single nucleotide variant.
Coding change: c.1101C>T on transcript NM_004565.3 (MANE Select); coding-DNA position 1101, C replaced by T.
Protein change: p.Pro367=; no amino-acid change (proline 367 retained).
Molecular consequence: synonymous variant.
Genome position (GRCh38, 1-based): chr1:10,629,954, C>T. VCF-style: chr1-10629954-C-T. GRCh37 (hg19) VCF-style: chr1-10690011-C-T.
Other names: c.1101C>T (NM_004565.2).
Identifiers: ClinVar variation 594300 (VCV000594300.16), dbSNP rs146053705, ClinGen allele CA584032.